The following continues an entry in ClinVar:

NM_007294.4(BRCA1):c.5278-14C>G

Gene: BRCA1. ClinVar aggregate classification (germline): Benign. Benign (1).

Submissions 17 to 19 of 19:

Department of Pathology and Laboratory Medicine, Sinai Health System
Classification: Likely benign for Malignant tumor of breast. Review status: no assertion criteria provided. Collection method: clinical testing. Allele origin: unknown. Affected: yes. Observed: 1 variant allele. Study: The Canadian Open Genetics Repository (COGR). Not counted in ClinVar's aggregate classification.
Comment: The c.5278-14C>G variant was identified in 5 of 8294 proband chromosomes (frequency: 0.001) from individuals or families with breast, ovarian and pancreatic cancer (Axilbund 2009, Spearman 2008, van der Hout 2006). The variant was also identified in dbSNP (ID: rs80358105), NHLBI Exome Sequencing Project (Exome Variant Server), Exome Aggregation Consortium (ExAC) database, LOVD, the ClinVar database (classified as a likely benign variant by the Sharing Clinical Reports Project (derived from Myriad reports) and Counsyl; classified as unknown clinical importance by BIC), the BIC database (4X with unknown clinical importance), and UMD (3X as an uncertain significance variant). This variant was identified in the Exome Variant Server project in 3 of 13006 European American/African American alleles, the Exome Aggregation Consortium (ExAC) database (released Oct 20th, 2014) in 4 of 76380 chromosomes (4 individuals) from a population of European (Non-Finnish) and African individuals, although this low number of observations is not substantive enough to determine its relationship to disease. The variant occurs outside of the splicing consensus sequence and in silico or computational prediction software programs (SpliceSiteFinder, MaxEntScan, NNSPLICE, GeneSplicer, HumanSpliceFinder) do not predict a difference in splicing. Four studies have predicted the variant has no effect on splicing (Spearman 2008, Steffensen 2014, van der Hout 2006, Whiley 2011) and two of them classified it as neutral (Steffensen 2014, van der Hout 2006). In summary, based on the above information, the clinical significance of this variant cannot be determined with certainty at this time although we would lean towards a more benign role for this variant. This variant is classified as predicted benign.

Diagnostic Laboratory, Department of Genetics, University Medical Center Groningen
Classification: Likely benign for Breast-ovarian cancer, familial, susceptibility to, 1. Review status: no assertion criteria provided. Collection method: clinical testing. Allele origin: germline. Affected: yes. Study: VKGL Data-share Consensus. Not counted in ClinVar's aggregate classification.

Joint Genome Diagnostic Labs from Nijmegen and Maastricht, Radboudumc and MUMC+
Classification: Benign. Review status: no assertion criteria provided. Collection method: clinical testing. Allele origin: germline. Affected: yes. Study: VKGL Data-share Consensus. Not counted in ClinVar's aggregate classification.

Literature cited by the submitters: PubMed 31131967 (cited by Evidence-based Network for the Interpretation of Germline Mutant Alleles (ENIGMA)); PubMed 18824701 (cited by Women's Health and Genetics/Laboratory Corporation of America, LabCorp and Counsyl); PubMed 21394826 (cited by Women's Health and Genetics/Laboratory Corporation of America, LabCorp and Counsyl); PubMed 23239986 (cited by Women's Health and Genetics/Laboratory Corporation of America, LabCorp); PubMed 22476429 (cited by Women's Health and Genetics/Laboratory Corporation of America, LabCorp); PubMed 24667779 (cited by Women's Health and Genetics/Laboratory Corporation of America, LabCorp); PubMed 19029836 (cited by Women's Health and Genetics/Laboratory Corporation of America, LabCorp); PubMed 16683254 (cited by Women's Health and Genetics/Laboratory Corporation of America, LabCorp and Counsyl); PubMed 21523855 (cited by Women's Health and Genetics/Laboratory Corporation of America, LabCorp); PubMed 23034506 (cited by Women's Health and Genetics/Laboratory Corporation of America, LabCorp); PubMed 30209399 (cited by Women's Health and Genetics/Laboratory Corporation of America, LabCorp).